The following is an entry in ClinVar:

NM_000548.5(TSC2):c.1362-10C>A

Gene: TSC2 (TSC complex subunit 2; plus strand). Cytogenetic location: 16p13.3.
Variant type: single nucleotide variant.
Coding change: c.1362-10C>A on transcript NM_000548.5 (MANE Select); 10 bases into the intron before coding-DNA position 1362, C replaced by A.
Molecular consequence: intron variant.
Genome position (GRCh38, 1-based): chr16:2,062,962, C>A. VCF-style: chr16-2062962-C-A. GRCh37 (hg19) VCF-style: chr16-2112963-C-A.
Other names: c.1362-10C>A (NM_001114382.3, NM_021055.3, NM_001370405.1 and 4 more transcripts); c.1251-10C>A (NM_001318827.2); c.762-10C>A (NM_001318831.2); c.1215-10C>A (NM_001318829.2); c.1395-10C>A (NM_001318832.2).
Identifiers: ClinVar variation 50185 (VCV000050185.32), dbSNP rs45446697, ClinGen allele CA014539.

ClinVar aggregate classification (germline): Conflicting classifications of pathogenicity. Review status: criteria provided, conflicting classifications (1 of 4 stars). 13 submissions from 13 submitters: Pathogenic (3); Likely pathogenic (6); Uncertain significance (2). 2 of the submissions do not count toward it. Last evaluated 2026-01-27.

Conditions:
TSC2-related disorder. Also called: TSC2-Related Disorders; TSC2-related condition.
Hereditary cancer-predisposing syndrome. Also called: Neoplastic Syndromes, Hereditary; Hereditary neoplastic syndrome; Tumor predisposition; Hereditary Cancer Syndrome. Identifiers: Orphanet 140162, MedGen C0027672, MeSH D009386, MONDO:0015356.
Isolated focal cortical dysplasia type II (FCORD2). Also called: Focal cortical dysplasia type II; CORTICAL DYSPLASIA OF TAYLOR. Identifiers: Orphanet 268994, MedGen C1846385, MONDO:0011818, OMIM 607341, HP:0032051.
Tuberous sclerosis syndrome (TSC). Also called: Tuberous Sclerosis Complex; Tuberous sclerosis. Identifiers: Orphanet 805, MedGen C0041341, MONDO:0001734.
Tuberous sclerosis 2 (TSC2). Identifiers: Orphanet 805, MedGen C1860707, MONDO:0013199, OMIM 613254.

gnomAD v4.1: 1 of 1,549,430 alleles (0.000065%); highest among the groups gnomAD compares: Non-Finnish European, 0.000087%; no homozygotes.

Submissions (13):

Myriad Genetics, Inc.
Classification: Likely pathogenic for Tuberous sclerosis 2. Last evaluated: 2026-01-27. Review status: criteria provided, single submitter. Criteria: Myriad Autosomal Dominant, Autosomal Recessive and X-Linked Classification Criteria (2023). Collection method: clinical testing. Allele origin: unknown.
Comment: This variant is considered likely pathogenic. This variant has been reported in multiple individuals with clinical features of gene-specific disease [PMID: 26540169, external communications 2026].

Labcorp Genetics (formerly Invitae), Labcorp
Classification: Pathogenic for Tuberous sclerosis 2. Last evaluated: 2026-01-07. Review status: criteria provided, single submitter. Criteria: Invitae Variant Classification Sherloc (09022015). Collection method: clinical testing. Allele origin: germline.
Comment: This sequence change falls in intron 13 of the TSC2 gene. It does not directly change the encoded amino acid sequence of the TSC2 protein. This variant is not present in population databases (gnomAD no frequency). This variant has been observed in individuals with tuberous sclerosis complex (PMID: 26540169; internal data). Invitae Evidence Modeling of clinical and family history, age, sex, and reported ancestry of multiple individuals with this TSC2 variant has been performed. This variant is expected to be pathogenic with a positive predictive value of at least 99%. This is a validated machine learning model that incorporates the clinical features of 1,224,362 individuals referred to our laboratory for TSC2 testing. ClinVar contains an entry for this variant (Variation ID: 50185). Studies have shown that this variant is associated with inconclusive levels of altered splicing (internal data). For these reasons, this variant has been classified as Pathogenic.

Women's Health and Genetics/Laboratory Corporation of America, LabCorp
Classification: Likely pathogenic for Tuberous sclerosis syndrome. Last evaluated: 2025-10-28. Review status: criteria provided, single submitter. Criteria: LabCorp Variant Classification Summary - May 2015. Collection method: clinical testing. Allele origin: germline.
Comment: Variant summary: TSC2 c.1362-10C>A alters a non-conserved nucleotide located at a position not widely known to affect splicing. Several computational tools predict a significant impact on normal splicing: Four predict the variant abolishes a 3' acceptor site. One predicts the variant strengthens a cryptic 3' acceptor site. Internal data suggest that this variant may impact RNA splicing, however results were inconclusive (Labcorp Genetics (formerly Invitae)). The variant was absent in 154196 control chromosomes. c.1362-10C>A has been observed in the heterozygous state in multiple individual(s) affected with clinical features of Tuberous Sclerosis Complex (example, Klonowska_2023, Choy_1999, Tuburczy_2015, Au_2007, Labcorp Genetics (formerly Invitae)). These data indicate that the variant is likely to be associated with disease. The following publications have been ascertained in the context of this evaluation (PMID: 37141891, 10735580, 26540169, 17304050). ClinVar contains an entry for this variant (Variation ID: 50185). Based on the evidence outlined above, the variant was classified as likely pathogenic.

Variantyx, Inc.
Classification: Pathogenic for Tuberous sclerosis 2. Last evaluated: 2025-09-08. Review status: criteria provided, single submitter. Criteria: Variantyx Assertion Criteria 2022. Collection method: clinical testing. Allele origin: germline. Inheritance: Autosomal dominant inheritance. Affected: yes.
Comment: This is an intronic variant in the TSC2 gene (OMIM: 191092). Pathogenic variants in this gene have been associated with autosomal dominant tuberous sclerosis 2. This variant has been reported in numerous affected individuals (PMID: 26540169, 17304050) (PS4_Very Strong). Algorithms that predict the potential impact of sequence variants on RNA splicing suggest that this variant may disrupt normal splicing (PP3). This variant has a 0.0001% maximum allele frequency in non-founder control populations (PM2). Based on the current evidence, this variant is classified as pathogenic for autosomal dominant tuberous sclerosis 2.

GeneDx
Classification: Likely pathogenic. Last evaluated: 2025-08-06. Review status: criteria provided, single submitter. Criteria: GeneDx Variant Classification Process June 2021. Collection method: clinical testing. Allele origin: germline. Affected: yes.
Comment: Not observed at significant frequency in large population cohorts (gnomAD); In silico analysis supports a deleterious effect on splicing; This variant is associated with the following publications: (PMID: 10735580, 26540169, 17304050)

Baylor Genetics
Classification: Likely pathogenic for Isolated focal cortical dysplasia type II. Last evaluated: 2024-06-03. Review status: criteria provided, single submitter. Criteria: ACMG Guidelines, 2015. Collection method: clinical testing. Allele origin: unknown.

ARUP Laboratories, Molecular Genetics and Genomics, ARUP Laboratories
Classification: Likely pathogenic. Last evaluated: 2024-03-19. Review status: criteria provided, single submitter. Criteria: ARUP Molecular Germline Variant Investigation Process 2024. Collection method: clinical testing. Allele origin: germline.
Comment: The TSC2 c.1362-10C>A variant (rs45446697) has been observed in several individuals and families with TSC2-related disease (Choy 1999, Tyburczy 2015, ARUP internal data, personal communication). This variant is also reported in ClinVar (Variation ID: 50185). It is absent from the Genome Aggregation Database (v2.1.1), indicating it is not a common polymorphism. This is an intronic variant and computational analyses (Alamut Visual Plus v.1.5.1) predict that this variant may impact splicing by weakening the nearby canonical acceptor splice site. Based on available information, this variant is considered to be likely pathogenic. References: Choy YS et al. Superiority of denaturing high performance liquid chromatography over single-stranded conformation and conformation-sensitive gel electrophoresis for mutation detection in TSC2. Ann Hum Genet. 1999 Sep;63(Pt 5):383-91. PMID: 10735580. Tyburczy ME et al. Mosaic and Intronic Mutations in TSC1/TSC2 Explain the Majority of TSC Patients with No Mutation Identified by Conventional Testing. PLoS Genet. 2015 Nov 5;11(11):e1005637. PMID: 26540169.

Athena Diagnostics
Classification: Likely pathogenic. Last evaluated: 2024-02-05. Review status: criteria provided, single submitter. Criteria: Athena Diagnostics Criteria. Collection method: clinical testing. Allele origin: unknown.
Comment: This variant has been identified in multiple unrelated individuals with clinical features associated with this gene. Some individuals were reported to have a variable and/or mild presentation (PMID: 10735580, 17304050, 26540169, internal patient(s), and personal communication related to ClinVar ID: 50185, Accession: SCV000644236.7). This variant has not been reported in large, multi-ethnic general populations. Computational tools yielded predictions that this variant may interfere with normal RNA splicing. RT-PCR analysis was unable to confirm an effect on RNA splicing, however it is uncertain whether the detection method used would identify a small, in-frame length change of this exon (PMID: 26540169).

Ambry Genetics
Classification: Pathogenic for Hereditary cancer-predisposing syndrome. Last evaluated: 2023-07-05. Review status: criteria provided, single submitter. Criteria: Ambry Variant Classification Scheme 2023. Collection method: clinical testing. Allele origin: germline.
Comment: The c.1362-10C>A intronic pathogenic mutation results from a C to A substitution 10 nucleotides upstream from coding exon 13 in the TSC2 gene. This alteration has been observed in many individuals with a personal and/or family history that is consistent with TSC2-related disease (Ambry internal data; Personal communication; Tyburczy ME et al. PLoS Genet, 2015 Nov;11:e1005637; Choy YS et al. Ann Hum Genet, 1999 Sep;63:383-91). In silico splice site analysis predicts that this alteration will weaken the native splice acceptor site. This variant is considered to be rare based on population cohorts in the Genome Aggregation Database (gnomAD). Based on the supporting evidence, this alteration is interpreted as a disease-causing mutation.

PreventionGenetics, part of Exact Sciences
Classification: Uncertain significance for TSC2-related condition. Last evaluated: 2023-05-10. Review status: criteria provided, single submitter. Criteria: ACMG Guidelines, 2015. Collection method: clinical testing. Allele origin: germline.
Comment: The TSC2 c.1362-10C>A variant is predicted to interfere with splicing. The c.1362-10 C>A intronic variant in the TSC2 gene has been reported in individuals affected with tuberous sclerosis, and has been reported to segregate with affected status within a family; however, minimal details were provided (Tyburczy et al. 2015. PubMed ID: 26540169; Choy et al. 1999. PubMed ID: 10735580; Au et al. 2007. PubMed ID: 17304050). This variant is predicted to abolish the canonical splice acceptor site based on available splicing prediction programs (Alamut Visual Plus v1.6.1). However, the use of computer prediction programs is not equivalent to functional evidence. In ClinVar this variant has conflicting classifications including pathogenic, likely pathogenic, uncertain significance, and benign. Although we suspect that this variant may be pathogenic, at this time, the clinical significance of this variant is uncertain due to the absence of conclusive functional and genetic evidence.

HudsonAlpha Institute for Biotechnology
Classification: Uncertain significance for Tuberous sclerosis 2. Last evaluated: 2021-11-30. Review status: criteria provided, single submitter. Criteria: ACMG Guidelines, 2015. Collection method: research. Allele origin: maternal. Observed: 2 variant alleles. Study: HudsonAlpha-AGHI-WGS.
Comment: ACMG codes: PM2, PP3

Tuberous sclerosis database (TSC2)
No classification provided. Condition: TSC. Review status: no classification provided. Criteria: Tuberous Sclerosis Database Assertion Criteria 2015. Collection method: curation. Allele origin: germline. Affected: yes. Not counted in ClinVar's aggregate classification.

Genome-Nilou Lab
Classification: Benign for Tuberous sclerosis 2. Last evaluated: 2021-11-07. Review status: flagged submission. Criteria: ACMG Guidelines, 2015. Collection method: clinical testing. Allele origin: germline. Affected: no. Not counted in ClinVar's aggregate classification.
ClinVar note: Reason: Outlier claim with insufficient supporting evidence

Literature cited by the submitters: PubMed 26540169 (cited by 6 submitters); PubMed 17304050 (cited by 3 submitters); PubMed 10735580 (cited by 3 submitters); PubMed 37141891 (cited by Women's Health and Genetics/Laboratory Corporation of America, LabCorp).